The following is an entry in ClinVar:

ClinVar aggregate classification (germline): Uncertain significance (1 of 4 stars; one submission).

Conditions:
Developmental and epileptic encephalopathy, 30 (DEE30). Also called: Epileptic encephalopathy, early infantile, 30. Identifiers: MedGen C4225360, MONDO:0014595, OMIM 616341.

Allele frequency attached by ClinVar (database versions not stated): ExAC 0.00001.

Submission:

Labcorp Genetics (formerly Invitae), Labcorp
Classification: Uncertain significance for Developmental and epileptic encephalopathy, 30. Last evaluated: 2025-11-25. Review status: criteria provided, single submitter. Criteria: Invitae Variant Classification Sherloc (09022015). Collection method: clinical testing. Allele origin: germline.
Comment: This sequence change replaces valine, which is neutral and non-polar, with methionine, which is neutral and non-polar, at codon 212 of the SIK1 protein (p.Val212Met). This variant is present in population databases (rs766815685, gnomAD 0.006%). This variant has not been reported in the literature in individuals affected with SIK1-related conditions. ClinVar contains an entry for this variant (Variation ID: 2719675). An algorithm developed to predict the effect of missense changes on protein structure and function (PolyPhen-2) suggests that this variant is likely to be disruptive. In summary, the available evidence is currently insufficient to determine the role of this variant in disease. Therefore, it has been classified as a Variant of Uncertain Significance.

NM_173354.5(SIK1):c.634G>A (p.Val212Met)

Gene: SIK1 (salt inducible kinase 1; minus strand). Cytogenetic location: 21q22.3.
Variant type: single nucleotide variant.
Coding change: c.634G>A on transcript NM_173354.5 (MANE Select); coding-DNA position 634, G replaced by A.
Protein change: p.Val212Met; replaces valine 212 with methionine.
Molecular consequence: missense variant.
Genome position (GRCh38, 1-based): chr21:43,421,124, C>T on the plus strand (G>A on the coding strand, the complement: SIK1 is on the minus strand). VCF-style: chr21-43421124-C-T. GRCh37 (hg19) VCF-style: chr21-44841004-C-T.
Other names: short protein forms V212M.
Identifiers: ClinVar variation 2719675 (VCV002719675.3), dbSNP rs766815685, ClinGen allele CA321327492.